The following is an entry in ClinVar:

ClinVar aggregate classification (germline): Benign (1 of 4 stars; one submission).

Conditions:
Juvenile polyposis/hereditary hemorrhagic telangiectasia syndrome (JPHT). Also called: JP/HHT SYNDROME; JUVENILE POLYPOSIS WITH HEREDITARY HEMORRHAGIC TELANGIECTASIA; POLYPOSIS, GENERALIZED JUVENILE, WITH PULMONARY ARTERIOVENOUS MALFORMATION; TELANGIECTASIA, HEREDITARY HEMORRHAGIC, WITH JUVENILE POLYPOSIS COLI; Juvenile Polyposis Syndrome / Hereditary Hemorrhagic Telangiectasia (JPS/HHT). Identifiers: Orphanet 2929, MedGen C1832942, MONDO:0008278, OMIM 175050.

Submission:

Myriad Genetics, Inc.
Classification: Benign for Juvenile polyposis/hereditary hemorrhagic telangiectasia syndrome. Last evaluated: 2025-03-19. Review status: criteria provided, single submitter. Criteria: Myriad Autosomal Dominant, Autosomal Recessive and X-Linked Classification Criteria (2023). Collection method: clinical testing. Allele origin: unknown.
Comment: This variant is considered benign. This variant is intronic and is not expected to impact mRNA splicing.

NM_005359.6(SMAD4):c.425-66_425-19dup

Gene: SMAD4 (SMAD family member 4; plus strand). Cytogenetic location: 18q21.2.
Variant type: Duplication.
Coding change: c.425-66_425-19dup on transcript NM_005359.6 (MANE Select); 66 bases into the intron before coding-DNA position 425 through 19 bases into the intron before coding-DNA position 425, 48 bases duplicated.
Molecular consequence: intron variant.
Genome position (GRCh38, 1-based): chr18:51,049,229-51,049,276, 48 bases duplicated; duplicating any 48 consecutive bases within chr18:51,049,226-51,049,276 gives the same sequence; the c. name uses the placement nearest the transcript's 3' end. GRCh37 (hg19): chr18:48,575,599-48,575,646.
Other names: c.425-66_425-19dup (NM_001407042.1, NM_001407041.1, NM_001407043.1).
Identifiers: ClinVar variation 3904289 (VCV003904289.1).
Genomic context (GRCh38, chr18:51,049,225, plus strand): 5'-ACTTCTGAATTGAAATGGTTCATGAACTTTTGTAATCTTTGGTTTAAATTTACATTCTCT[G>GTTTTTAAATGGAAAATACTTTCATTGTAATGATTAATGTTTCATTTGT]TTTTTAAATGGAAAATACTTTCATTGTAATGATTAATGTTTCATTTGTTTTCCCCTTTAA-3'